The following is an entry in ClinVar:

ClinVar aggregate classification (germline): Uncertain significance (1 of 4 stars; one submission).

Allele frequency attached by ClinVar (database versions not stated): gnomAD exomes below 0.00001.
gnomAD v4.1: 1 of 1,601,004 alleles (0.000062%); highest among the groups gnomAD compares: East Asian, 0.0022%; no homozygotes.

Submission:

GeneDx
Classification: Uncertain significance. Last evaluated: 2021-06-30. Review status: criteria provided, single submitter. Criteria: GeneDx Variant Classification Process June 2021. Collection method: clinical testing. Allele origin: germline. Affected: yes.
Comment: Not observed at significant frequency in large population cohorts (Lek et al., 2016); In silico analysis supports that this missense variant does not alter protein structure/function; Has not been previously published as pathogenic or benign to our knowledge; This variant is associated with the following publications: (PMID: 27535533)

NM_014712.3(SETD1A):c.2240C>T (p.Ala747Val)

Gene: SETD1A (SET domain containing 1A, histone lysine methyltransferase; plus strand). Cytogenetic location: 16p11.2.
Variant type: single nucleotide variant.
Coding change: c.2240C>T on transcript NM_014712.3 (MANE Select); coding-DNA position 2240, C replaced by T.
Protein change: p.Ala747Val; replaces alanine 747 with valine.
Molecular consequence: missense variant.
Genome position (GRCh38, 1-based): chr16:30,966,121, C>T. VCF-style: chr16-30966121-C-T. GRCh37 (hg19) VCF-style: chr16-30977442-C-T.
Other names: short protein forms A747V.
Identifiers: ClinVar variation 1331210 (VCV001331210.2), dbSNP rs2143504369, ClinGen allele CA395619824.